The following is an entry in ClinVar:

ClinVar aggregate classification (germline): Uncertain significance (1 of 4 stars; one submission).

Conditions:
Fanconi anemia complementation group J. Also called: BRIP1-Related Fanconi Anemia. Identifiers: Orphanet 84, MedGen C1836860, MONDO:0012187, OMIM 609054.
Familial cancer of breast. Also called: BREAST CANCER, FAMILIAL; hereditary breast carcinoma; Hereditary breast cancer. Identifiers: Orphanet 227535, MedGen C0346153, MONDO:0016419, OMIM 114480. Disease mechanism: loss of function.

Submission:

Labcorp Genetics (formerly Invitae), Labcorp
Classification: Uncertain significance for Familial cancer of breast; Fanconi anemia complementation group J. Last evaluated: 2017-07-27. Review status: criteria provided, single submitter. Criteria: Invitae Variant Classification Sherloc (09022015). Collection method: clinical testing. Allele origin: germline.
Comment: This variant is a gross duplication of the genomic region encompassing exons 7-10 of the BRIP1 gene. While the exact position of the duplicated exons cannot be determined from this data, the duplicated copy of this region is likely in tandem and in-frame, therefore preserving the integrity of the reading frame. This variant has not been reported in the literature in individuals with BRIP1-related disease. Experimental studies and prediction algorithms are not available for this variant, and the functional significance of the duplicated amino acids is currently unknown. In summary, the available evidence is currently insufficient to determine the role of this variant in disease. Therefore, it has been classified as a Variant of Uncertain Significance.

NC_000017.10:g.(?_59870952)_(59886124_?)dup

Gene: BRIP1 (BRCA1 interacting DNA helicase 1; minus strand). Cytogenetic location: 17q23.2.
Variant type: Duplication.
Identifiers: ClinVar variation 461054 (VCV000461054.2).